The following is an entry in ClinVar:

NM_000271.5(NPC1):c.1825A>T (p.Ile609Phe)

Gene: NPC1 (NPC intracellular cholesterol transporter 1; minus strand). Cytogenetic location: 18q11.2.
Variant type: single nucleotide variant.
Coding change: c.1825A>T on transcript NM_000271.5 (MANE Select); coding-DNA position 1825, A replaced by T.
Protein change: p.Ile609Phe; replaces isoleucine 609 with phenylalanine.
Molecular consequence: missense variant.
Genome position (GRCh38, 1-based): chr18:23,545,082, T>A on the plus strand (A>T on the coding strand, the complement: NPC1 is on the minus strand). VCF-style: chr18-23545082-T-A. GRCh37 (hg19) VCF-style: chr18-21125046-T-A.
Other names: short protein forms I609F.
Identifiers: ClinVar variation 3723094 (VCV003723094.2).

ClinVar aggregate classification (germline): Uncertain significance (1 of 4 stars; one submission).

Conditions:
Niemann-Pick disease, type C1. Also called: NEUROVISCERAL STORAGE DISEASE WITH VERTICAL SUPRANUCLEAR OPHTHALMOPLEGIA; NIEMANN-PICK DISEASE WITH CHOLESTEROL ESTERIFICATION BLOCK; NIEMANN-PICK DISEASE WITHOUT SPHINGOMYELINASE DEFICIENCY; NIEMANN-PICK DISEASE, CHRONIC NEURONOPATHIC FORM; NIEMANN-PICK DISEASE, VARIANT TYPE C1. Identifiers: Orphanet 646, MedGen C3179455, MONDO:0009757, OMIM 257220.

Submission:

Labcorp Genetics (formerly Invitae), Labcorp
Classification: Uncertain significance for Niemann-Pick disease, type C1. Last evaluated: 2024-03-03. Review status: criteria provided, single submitter. Criteria: Invitae Variant Classification Sherloc (09022015). Collection method: clinical testing. Allele origin: germline.
Comment: This sequence change replaces isoleucine, which is neutral and non-polar, with phenylalanine, which is neutral and non-polar, at codon 609 of the NPC1 protein (p.Ile609Phe). This variant is not present in population databases (gnomAD no frequency). This missense change has been observed in individual(s) with Niemann-Pick type C1 (PMID: 23112236). Advanced modeling of protein sequence and biophysical properties (such as structural, functional, and spatial information, amino acid conservation, physicochemical variation, residue mobility, and thermodynamic stability) performed at Invitae indicates that this missense variant is expected to disrupt NPC1 protein function with a positive predictive value of 95%. In summary, the available evidence is currently insufficient to determine the role of this variant in disease. Therefore, it has been classified as a Variant of Uncertain Significance.

Literature cited by the submitters: PubMed 23112236.